The following is an entry in ClinVar:

ClinVar aggregate classification (germline): Uncertain significance. Review status: criteria provided, multiple submitters, no conflicts (2 of 4 stars). 2 submissions from 2 submitters: Uncertain significance (2). Last evaluated 2025-10-15.

Conditions:
Inborn genetic diseases. Identifiers: MedGen C0950123, MeSH D030342.

Allele frequency attached by ClinVar (database versions not stated): TOPMed 0.00003.
gnomAD v4.1: 6 of 1,613,682 alleles (0.00037%); highest among the groups gnomAD compares: African/African-American, 0.0053%; no homozygotes.

Submissions (2):

Labcorp Genetics (formerly Invitae), Labcorp
Classification: Uncertain significance. Last evaluated: 2025-10-15. Review status: criteria provided, single submitter. Criteria: Invitae Variant Classification Sherloc (09022015). Collection method: clinical testing. Allele origin: germline.
Comment: This sequence change replaces threonine, which is neutral and polar, with methionine, which is neutral and non-polar, at codon 335 of the CAPN5 protein (p.Thr335Met). This variant is not present in population databases (gnomAD no frequency). This variant has not been reported in the literature in individuals affected with CAPN5-related conditions. ClinVar contains an entry for this variant (Variation ID: 3137162). Invitae Evidence Modeling of protein sequence and biophysical properties (such as structural, functional, and spatial information, amino acid conservation, physicochemical variation, residue mobility, and thermodynamic stability) has been performed for this missense variant. However, the output from this modeling did not meet the statistical confidence thresholds required to predict the impact of this variant on CAPN5 protein function. In summary, the available evidence is currently insufficient to determine the role of this variant in disease. Therefore, it has been classified as a Variant of Uncertain Significance.

Ambry Genetics
Classification: Uncertain significance for Inborn genetic diseases. Last evaluated: 2023-12-17. Review status: criteria provided, single submitter. Criteria: Ambry Variant Classification Scheme 2023. Collection method: clinical testing. Allele origin: germline.

NM_004055.5(CAPN5):c.1004C>T (p.Thr335Met)

Gene: CAPN5 (calpain 5; plus strand). Cytogenetic location: 11q13.5.
Variant type: single nucleotide variant.
Coding change: c.1004C>T on transcript NM_004055.5 (MANE Select); coding-DNA position 1004, C replaced by T.
Protein change: p.Thr335Met; replaces threonine 335 with methionine.
Molecular consequence: missense variant.
Genome position (GRCh38, 1-based): chr11:77,118,189, C>T. VCF-style: chr11-77118189-C-T. GRCh37 (hg19) VCF-style: chr11-76829235-C-T.
Other names: c.1124C>T, p.Thr375Met (NM_001425321.1); c.1004C>T, p.Thr335Met (NM_001425322.1); c.872C>T, p.Thr291Met (NM_001425323.1); short protein forms T291M, T375M, T335M.
Identifiers: ClinVar variation 3137162 (VCV003137162.3), dbSNP rs370006806, ClinGen allele CA381941271.